The following is an entry in ClinVar:

ClinVar aggregate classification (germline): Likely benign. Review status: criteria provided, multiple submitters, no conflicts (2 of 4 stars). 2 submissions from 2 submitters: Likely benign (2). Last evaluated 2026-05-27.

Conditions:
RAD51-related disorder. Also called: RAD51-related disorders; RAD51-related condition.
Inborn genetic diseases. Identifiers: MedGen C0950123, MeSH D030342.

Allele frequency attached by ClinVar (database versions not stated): gnomAD 0.00001; TOPMed 0.00001.
gnomAD v4.1: 2 of 1,612,710 alleles (0.00012%); highest among the groups gnomAD compares: Non-Finnish European, 0.00017%; no homozygotes.

Submissions (2):

PreventionGenetics, part of Exact Sciences
Classification: Likely benign for RAD51-related condition. Last evaluated: 2026-05-27. Review status: criteria provided, single submitter. Criteria: ACMG Guidelines, 2015. Collection method: clinical testing. Allele origin: germline.
Comment: This variant is classified as likely benign based on ACMG/AMP sequence variant interpretation guidelines (Richards et al. 2015 PMID: 25741868, with internal and published modifications).

Ambry Genetics
Classification: Likely benign for Inborn genetic diseases. Last evaluated: 2022-04-07. Review status: criteria provided, single submitter. Criteria: Ambry Variant Classification Scheme 2023. Collection method: clinical testing. Allele origin: germline.

NM_002875.5(RAD51):c.627C>G (p.Ala209=)

Gene: RAD51 (RAD51 recombinase; plus strand). Cytogenetic location: 15q15.1.
Variant type: single nucleotide variant.
Coding change: c.627C>G on transcript NM_002875.5 (MANE Select); coding-DNA position 627, C replaced by G.
Protein change: p.Ala209=; no amino-acid change (alanine 209 retained).
Molecular consequence: synonymous variant.
Genome position (GRCh38, 1-based): chr15:40,728,807, C>G. VCF-style: chr15-40728807-C-G. GRCh37 (hg19) VCF-style: chr15-41021005-C-G.
Other names: c.630C>G (NM_001164269.1); c.630C>G, p.Ala210= (NM_001164269.2, NM_133487.4); c.627C>G, p.Ala209= (NM_001164270.2).
Identifiers: ClinVar variation 1752577 (VCV001752577.3), dbSNP rs766971181, ClinGen allele CA7484062.
Genomic context (GRCh38, chr15:40,728,807, plus strand): 5'-AGCATATGCTCGAGCGTTCAACACAGACCACCAGACCCAGCTCCTTTATCAAGCATCAGC[C>G]ATGATGGTAGAATCTAGGTATGTGTTCAGTATAAGACACCAAATATGTTCTTAAGAGTCC-3'
Protein context (NP_002866.2, residues 199-219): HQTQLLYQAS[Ala209=]MMVESRYALL